The following is an entry in ClinVar:

NC_000002.11:g.(?_74753829)_(74757416_?)del

Genes: AUP1 (AUP1 lipid droplet regulating VLDL assembly factor; minus strand), HTRA2 (HtrA serine peptidase 2; plus strand). Cytogenetic location: 2p13.1.
Variant type: Deletion.
Identifiers: ClinVar variation 2425831 (VCV002425831.4).

ClinVar aggregate classification (germline): Pathogenic (1 of 4 stars; one submission).

Submission:

Labcorp Genetics (formerly Invitae), Labcorp
Classification: Pathogenic. Last evaluated: 2022-07-31. Review status: criteria provided, single submitter. Criteria: Invitae Variant Classification Sherloc (09022015). Collection method: clinical testing. Allele origin: germline.
Comment: For these reasons, this variant has been classified as Pathogenic. This variant has not been reported in the literature in individuals affected with HTRA2-related conditions. This variant results in the deletion of c.-3305_283del of the HTRA2 gene. It is expected to result in an absent or disrupted protein product. Loss-of-function variants in HTRA2 are known to be pathogenic (PMID: 25531304, 27208207, 27696117).

Literature cited by the submitters: PubMed 25531304; PubMed 27208207; PubMed 27696117.